The following is an entry in ClinVar:

ClinVar aggregate classification (germline): Benign/Likely benign. Review status: criteria provided, multiple submitters, no conflicts (2 of 4 stars). 5 submissions from 5 submitters: Benign (2); Likely benign (2). 1 of the submissions does not count toward it. Last evaluated 2026-04-01.

Conditions:
Pachyonychia congenita 4 (PC4). Also called: KRT6B-Related Pachyonychia Congenita. Identifiers: Orphanet 2309, MedGen C3714949, MONDO:0014325, OMIM 615728.
KRT6B-related disorder. Also called: KRT6B-related condition.

Allele frequency attached by ClinVar (database versions not stated): 1000 Genomes Project 30x 0.00344; 1000 Genomes Project 0.00379; TOPMed 0.00424; gnomAD 0.00470 and 0.00473; ESP Exome Variant Server 0.00477; ExAC 0.00486; gnomAD exomes 0.00490 and 0.00502.

Submissions (5):

CeGaT Center for Human Genetics Tuebingen
Classification: Likely benign. Last evaluated: 2026-04-01. Review status: criteria provided, single submitter. Criteria: CeGaT Center For Human Genetics Tuebingen Variant Classification Criteria Version 2. Collection method: clinical testing. Allele origin: germline. Affected: yes. Observed: 3 variant alleles.
Comment: KRT6B: BS2

Labcorp Genetics (formerly Invitae), Labcorp
Classification: Benign. Last evaluated: 2026-01-02. Review status: criteria provided, single submitter. Criteria: Invitae Variant Classification Sherloc (09022015). Collection method: clinical testing. Allele origin: germline.

Fulgent Genetics
Classification: Likely benign for Pachyonychia congenita 4. Last evaluated: 2021-08-30. Review status: criteria provided, single submitter. Criteria: ACMG Guidelines, 2015. Collection method: clinical testing. Allele origin: unknown.

Breakthrough Genomics
Classification: Benign. Review status: criteria provided, single submitter. Criteria: ACMG Guidelines, 2015. Collection method: not provided. Allele origin: germline. Inheritance: Autosomal dominant inheritance. Affected: yes.

PreventionGenetics, part of Exact Sciences
Classification: Likely benign for KRT6B-related condition. Last evaluated: 2019-05-08. Review status: no assertion criteria provided. Collection method: clinical testing. Allele origin: germline. Not counted in ClinVar's aggregate classification.
Comment: This variant is classified as likely benign based on ACMG/AMP sequence variant interpretation guidelines (Richards et al. 2015 PMID: 25741868, with internal and published modifications).

NM_005555.4(KRT6B):c.1186G>A (p.Asp396Asn)

Gene: KRT6B (keratin 6B; minus strand). Cytogenetic location: 12q13.13.
Variant type: single nucleotide variant.
Coding change: c.1186G>A on transcript NM_005555.4 (MANE Select); coding-DNA position 1186, G replaced by A.
Protein change: p.Asp396Asn; replaces aspartic acid 396 with asparagine.
Molecular consequence: missense variant.
Genome position (GRCh38, 1-based): chr12:52,448,859, C>T on the plus strand (G>A on the coding strand, the complement: KRT6B is on the minus strand). VCF-style: chr12-52448859-C-T. GRCh37 (hg19) VCF-style: chr12-52842643-C-T.
Other names: c.1186G>A (NM_005555.3); short protein forms D396N.
Identifiers: ClinVar variation 1631880 (VCV001631880.20), dbSNP rs138988810, ClinGen allele CA6580509.